The following is an entry in ClinVar:

NM_152383.5(DIS3L2):c.856C>T (p.Pro286Ser)

Gene: DIS3L2 (DIS3 like 3'-5' exoribonuclease 2; plus strand). Cytogenetic location: 2q37.1.
Variant type: single nucleotide variant.
Coding change: c.856C>T on transcript NM_152383.5 (MANE Select); coding-DNA position 856, C replaced by T.
Protein change: p.Pro286Ser; replaces proline 286 with serine.
Molecular consequence: missense variant. On other transcripts: non-coding transcript variant (1).
Genome position (GRCh38, 1-based): chr2:232,136,625, C>T. VCF-style: chr2-232136625-C-T. GRCh37 (hg19) VCF-style: chr2-233001335-C-T.
Other names: c.856C>T, p.Pro286Ser (NM_001257281.2); short protein forms P286S.
Identifiers: ClinVar variation 1038507 (VCV001038507.8), dbSNP rs1427495306, ClinGen allele CA351153741.

ClinVar aggregate classification (germline): Uncertain significance (1 of 4 stars; one submission).

Conditions:
Perlman syndrome (PRLMNS). Identifiers: Orphanet 2849, MedGen C0796113, MONDO:0009965, OMIM 267000.

Allele frequency attached by ClinVar (database versions not stated): gnomAD exomes below 0.00001; TOPMed below 0.00001.
gnomAD v4.1: 1 of 1,613,866 alleles (0.000062%); highest among the groups gnomAD compares: Admixed American, 0.0017%; no homozygotes.

Submission:

Labcorp Genetics (formerly Invitae), Labcorp
Classification: Uncertain significance for Perlman syndrome. Last evaluated: 2022-11-07. Review status: criteria provided, single submitter. Criteria: Invitae Variant Classification Sherloc (09022015). Collection method: clinical testing. Allele origin: germline.
Comment: In summary, the available evidence is currently insufficient to determine the role of this variant in disease. Therefore, it has been classified as a Variant of Uncertain Significance. Advanced modeling of protein sequence and biophysical properties (such as structural, functional, and spatial information, amino acid conservation, physicochemical variation, residue mobility, and thermodynamic stability) has been performed at Invitae for this missense variant, however the output from this modeling did not meet the statistical confidence thresholds required to predict the impact of this variant on DIS3L2 protein function. ClinVar contains an entry for this variant (Variation ID: 1038507). This variant has not been reported in the literature in individuals affected with DIS3L2-related conditions. This variant is present in population databases (no rsID available, gnomAD 0.003%). This sequence change replaces proline, which is neutral and non-polar, with serine, which is neutral and polar, at codon 286 of the DIS3L2 protein (p.Pro286Ser).